The following is an entry in ClinVar:

ClinVar aggregate classification (germline): Likely pathogenic. Review status: criteria provided, single submitter (1 of 4 stars). 2 submissions from 2 submitters: Likely pathogenic (1). 1 of the submissions does not count toward it. Last evaluated 2025-12-04.

Conditions:
Early-onset progressive neurodegeneration-blindness-ataxia-spasticity syndrome. Also called: Spastic paraplegia 79, autosomal recessive; SPASTIC PARAPLEGIA 79B, AUTOSOMAL RECESSIVE. Identifiers: Orphanet 352654, MedGen C3809665, MONDO:0014209, OMIM 615491.
Parkinson disease 5, autosomal dominant, susceptibility to (PARK5). Also called: Parkinson disease 5, susceptibility to. Identifiers: Orphanet 2828, MedGen C3150899, MONDO:0013340, OMIM 613643.

Submissions (2):

Genetic Foundation of Khorasan Razavi (GFKR)
Classification: Likely pathogenic for Early-onset progressive neurodegeneration-blindness-ataxia-spasticity syndrome. Last evaluated: 2025-12-04. Review status: criteria provided, single submitter. Criteria: ACMG Guidelines, 2015. Collection method: clinical testing. Allele origin: inherited. Affected: yes.
Comment: This variant results in a protein length change due to an in-frame deletion, altering a non-repeat region of the protein. The variant has been observed in multiple unrelated affected individuals and shows enrichment in cases compared with controls, supporting a disease association. It is extremely rare in population databases. In addition this variant has been previously submitted to ClinVar as likely pathogenic(VCV003338080.1).

Solve-RD Consortium
Classification: Likely pathogenic for Parkinson disease 5, autosomal dominant, susceptibility to. Last evaluated: 2022-06-01. Review status: no assertion criteria provided. Collection method: provider interpretation. Allele origin: inherited. Affected: yes. Not counted in ClinVar's aggregate classification.
Comment: Variant confirmed as disease-causing by referring clinical team

Variant identified during reanalysis of unsolved cases by the Solve-RD project. The Solve-RD project has received funding from the European Union’s Horizon 2020 research and innovation programme under grant agreement No 779257.

Literature cited by the submitters: PubMed 39825153 (cited by Solve-RD Consortium).

NM_004181.5(UCHL1):c.629_631del (p.Gly210del)

Gene: UCHL1 (ubiquitin C-terminal hydrolase L1; plus strand). Cytogenetic location: 4p13.
Variant type: Deletion.
Coding change: c.629_631del on transcript NM_004181.5 (MANE Select); coding-DNA positions 629 to 631, 3 bases deleted (GAG; older notation c.629_631delGAG).
Protein change: p.Gly210del; deletes glycine 210.
Molecular consequence: inframe deletion.
Genome position (GRCh38, 1-based): chr4:41,268,030-41,268,032, GAG deleted; deleting any 3 consecutive bases within chr4:41,268,028-41,268,032 gives the same sequence; the c. name uses the placement nearest the transcript's 3' end. VCF-style (leftmost placement, unchanged base first): chr4-41268027-AAGG-A. GRCh37 (hg19) VCF-style: chr4-41270044-AAGG-A.
Other names: short protein forms G210del.
Identifiers: ClinVar variation 3338080 (VCV003338080.2).
Genomic context (GRCh38, chr4:41,268,027, plus strand): 5'-ATGACATTTCTCCTTTCCAGGACGCTGCCAAGGTCTGCAGAGAATTCACCGAGCGTGAGC[AAGG>A]AGAAGTCCGCTTCTCTGCCGTGGCTCTCTGCAAGGCAGCCTAATGCTCTGTGGGAGGGAC-3'